The following is an entry in ClinVar:

NM_138477.4(CDAN1):c.1567G>A (p.Val523Ile)

Gene: CDAN1 (codanin 1; minus strand). Cytogenetic location: 15q15.2.
Variant type: single nucleotide variant.
Coding change: c.1567G>A on transcript NM_138477.4 (MANE Select); coding-DNA position 1567, G replaced by A.
Protein change: p.Val523Ile; replaces valine 523 with isoleucine.
Molecular consequence: missense variant.
Genome position (GRCh38, 1-based): chr15:42,731,792, C>T on the plus strand (G>A on the coding strand, the complement: CDAN1 is on the minus strand). VCF-style: chr15-42731792-C-T. GRCh37 (hg19) VCF-style: chr15-43023990-C-T.
Other names: c.1567G>A, p.Val523Ile (LRG_1164t1); short protein forms V523I.
Identifiers: ClinVar variation 422319 (VCV000422319.3), dbSNP rs139291008, ClinGen allele CA7516001.
Genomic context (GRCh38, chr15:42,731,792, plus strand): 5'-ACAACCGCCCCAGCTTGTCAGCTCCCAGCATACTCAACACATCTGGGGCCTCGCCCAAGA[C>T]GGTGCCCCCAGCACCACCAGGGCTCTGACACATCTAGGGTGGAAGAGGAAGGAGAGAAAT-3'
Protein context (NP_612486.2, residues 513-533): CQSPGGAGGT[Val523Ile]LGEAPDVLSM

ClinVar aggregate classification (germline): Uncertain significance. Review status: criteria provided, multiple submitters, no conflicts (2 of 4 stars). 2 submissions from 2 submitters: Uncertain significance (2). Last evaluated 2025-01-18.

Allele frequency attached by ClinVar (database versions not stated): gnomAD exomes 0.00011 and 0.00013; ExAC 0.00018; ESP Exome Variant Server 0.00054; gnomAD 0.00064 and 0.00068; TOPMed 0.00077; 1000 Genomes Project 30x 0.00078; 1000 Genomes Project 0.00080.
gnomAD v4.1: 260 of 1,614,106 alleles (0.016%); highest among the groups gnomAD compares: African/African-American, 0.21%; no homozygotes.

Submissions (2):

Labcorp Genetics (formerly Invitae), Labcorp
Classification: Uncertain significance. Last evaluated: 2025-01-18. Review status: criteria provided, single submitter. Criteria: Invitae Variant Classification Sherloc (09022015). Collection method: clinical testing. Allele origin: germline.
Comment: This sequence change replaces valine, which is neutral and non-polar, with isoleucine, which is neutral and non-polar, at codon 523 of the CDAN1 protein (p.Val523Ile). This variant is present in population databases (rs139291008, gnomAD 0.2%). This variant has not been reported in the literature in individuals affected with CDAN1-related conditions. ClinVar contains an entry for this variant (Variation ID: 422319). An algorithm developed to predict the effect of missense changes on protein structure and function outputs the following: PolyPhen-2: "Benign". The isoleucine amino acid residue is found in multiple mammalian species, which suggests that this missense change does not adversely affect protein function. In summary, the available evidence is currently insufficient to determine the role of this variant in disease. Therefore, it has been classified as a Variant of Uncertain Significance.

GeneDx
Classification: Uncertain significance. Last evaluated: 2018-09-11. Review status: criteria provided, single submitter. Criteria: GeneDx Variant Classification (06012015). Collection method: clinical testing. Allele origin: germline. Affected: yes.
Comment: The V523I variant in the CDAN1 gene has not been reported previously as a pathogenic variant, nor as a benign variant, to our knowledge. The V523I variant is observed in 49/276702 (0.018%) alleles in large population cohorts (Lek et al., 2016). The V523I variant is a conservative amino acid substitution, which is not likely to impact secondary protein structure as these residues share similar properties. In-silico analyses, including protein predictors and evolutionary conservation, support that this variant does not alter protein structure/function. We interpret V523I as a variant of uncertain significance.